The following is an entry in ClinVar:

NM_001276270.2(MBD4):c.1518G>A (p.Arg506=)

Gene: MBD4 (methyl-CpG binding domain 4, DNA glycosylase; minus strand). Cytogenetic location: 3q21.3.
Variant type: single nucleotide variant.
Coding change: c.1518G>A on transcript NM_001276270.2 (MANE Select); coding-DNA position 1518, G replaced by A.
Protein change: p.Arg506=; no amino-acid change (arginine 506 retained).
Molecular consequence: synonymous variant.
Genome position (GRCh38, 1-based): chr3:129,433,123, C>T on the plus strand (G>A on the coding strand, the complement: MBD4 is on the minus strand). VCF-style: chr3-129433123-C-T. GRCh37 (hg19) VCF-style: chr3-129151966-C-T.
Other names: c.1536G>A (NM_003925.2); c.1536G>A, p.Arg512= (NM_001276271.2, NM_001276272.2, NM_003925.3); c.582G>A, p.Arg194= (NM_001276273.2).
Identifiers: ClinVar variation 2875830 (VCV002875830.6), dbSNP rs909072844, ClinGen allele CA82627195.

ClinVar aggregate classification (germline): Benign/Likely benign. Review status: criteria provided, multiple submitters, no conflicts (2 of 4 stars). 4 submissions from 4 submitters: Benign (1); Likely benign (3). Last evaluated 2026-06-12.

Conditions:
Inborn genetic diseases. Identifiers: MedGen C0950123, MeSH D030342.
MBD4-related disorder. Also called: MBD4-related condition.
Tumor predisposition syndrome 2 (TPDS2). Also called: MBD4-Related Tumor Predisposition Syndrome; MBD4-associated neoplasia syndrome (MANS); MBD4-ASSOCIATED NEOPLASIA SYNDROME. Identifiers: Orphanet 661526, MedGen C5774186, MONDO:0859267, OMIM 619975.

Allele frequency attached by ClinVar (database versions not stated): gnomAD 0.00001; TOPMed 0.00003.
gnomAD v4.1: 1 of 1,613,936 alleles (0.000062%); highest among the groups gnomAD compares: African/African-American, 0.0013%; no homozygotes.

Submissions (4):

Myriad Genetics, Inc.
Classification: Benign for Tumor predisposition syndrome 2. Last evaluated: 2026-06-12. Review status: criteria provided, single submitter. Criteria: Myriad Autosomal Dominant, Autosomal Recessive and X-Linked Classification Criteria (2023). Collection method: clinical testing. Allele origin: unknown.
Comment: This variant is considered benign. This variant is a silent/synonymous amino acid change and it is not expected to impact splicing.

PreventionGenetics, part of Exact Sciences
Classification: Likely benign for MBD4-related condition. Last evaluated: 2026-05-12. Review status: criteria provided, single submitter. Criteria: ACMG Guidelines, 2015. Collection method: clinical testing. Allele origin: germline.
Comment: This variant is classified as likely benign based on ACMG/AMP sequence variant interpretation guidelines (Richards et al. 2015 PMID: 25741868, with internal and published modifications).

Labcorp Genetics (formerly Invitae), Labcorp
Classification: Likely benign. Last evaluated: 2025-03-03. Review status: criteria provided, single submitter. Criteria: Invitae Variant Classification Sherloc (09022015). Collection method: clinical testing. Allele origin: germline.

Ambry Genetics
Classification: Likely benign for Inborn genetic diseases. Last evaluated: 2024-12-10. Review status: criteria provided, single submitter. Criteria: Ambry Variant Classification Scheme 2023. Collection method: clinical testing. Allele origin: germline.